The following is an entry in ClinVar:

ClinVar aggregate classification (germline): Uncertain significance. Review status: criteria provided, multiple submitters, no conflicts (2 of 4 stars). 2 submissions from 2 submitters: Uncertain significance (2). Last evaluated 2025-12-04.

Conditions:
Hypertrophic cardiomyopathy. Also called: HYPERTROPHIC MYOCARDIOPATHY. Identifiers: Orphanet 217569, MedGen C0007194, MeSH D002312, MONDO:0005045, HP:0001639.

Allele frequency attached by ClinVar (database versions not stated): gnomAD exomes 0.00001 and 0.00005; ExAC 0.00008; 1000 Genomes Project 30x 0.00016; 1000 Genomes Project 0.00020; gnomAD 0.00020 and 0.00021; TOPMed 0.00020.
gnomAD v4.1: 49 of 1,613,422 alleles (0.003%); highest among the groups gnomAD compares: African/African-American, 0.06%; no homozygotes.

Submissions (2):

Labcorp Genetics (formerly Invitae), Labcorp
Classification: Uncertain significance for Hypertrophic cardiomyopathy. Last evaluated: 2025-12-04. Review status: criteria provided, single submitter. Criteria: Invitae Variant Classification Sherloc (09022015). Collection method: clinical testing. Allele origin: germline.
Comment: This sequence change replaces valine, which is neutral and non-polar, with phenylalanine, which is neutral and non-polar, at codon 951 of the MYOM1 protein (p.Val951Phe). This variant is present in population databases (rs573023709, gnomAD 0.07%), and has an allele count higher than expected for a pathogenic variant. This variant has not been reported in the literature in individuals affected with MYOM1-related conditions. ClinVar contains an entry for this variant (Variation ID: 410257). Invitae Evidence Modeling of protein sequence and biophysical properties (such as structural, functional, and spatial information, amino acid conservation, physicochemical variation, residue mobility, and thermodynamic stability) indicates that this missense variant is expected to disrupt MYOM1 protein function with a positive predictive value of 80%. In summary, the available evidence is currently insufficient to determine the role of this variant in disease. Therefore, it has been classified as a Variant of Uncertain Significance.

Ambry Genetics
Classification: Uncertain significance. Last evaluated: 2024-05-02. Review status: criteria provided, single submitter. Criteria: Ambry Variant Classification Scheme 2023. Collection method: clinical testing. Allele origin: germline.

NM_003803.4(MYOM1):c.2851G>T (p.Val951Phe)

Gene: MYOM1 (myomesin 1; minus strand). Cytogenetic location: 18p11.31.
Variant type: single nucleotide variant.
Coding change: c.2851G>T on transcript NM_003803.4 (MANE Select); coding-DNA position 2851, G replaced by T.
Protein change: p.Val951Phe; replaces valine 951 with phenylalanine.
Molecular consequence: missense variant.
Genome position (GRCh38, 1-based): chr18:3,126,841, C>A on the plus strand (G>T on the coding strand, the complement: MYOM1 is on the minus strand). VCF-style: chr18-3126841-C-A. GRCh37 (hg19) VCF-style: chr18-3126839-C-A.
Other names: c.2563G>T, p.Val855Phe (NM_019856.2); short protein forms V951F, V855F.
Identifiers: ClinVar variation 410257 (VCV000410257.11), dbSNP rs573023709, ClinGen allele CA8874507.